The following is an entry in ClinVar:

NM_030962.4(SBF2):c.3283A>G (p.Ser1095Gly)

Genes: SBF2 (SET binding factor 2; minus strand), LOC101928008 (uncharacterized LOC101928008; plus strand). Cytogenetic location: 11p15.4.
Variant type: single nucleotide variant.
Coding change: c.3283A>G on transcript NM_030962.4 (MANE Select); coding-DNA position 3283, A replaced by G.
Protein change: p.Ser1095Gly; replaces serine 1095 with glycine.
Molecular consequence: missense variant.
Genome position (GRCh38, 1-based): chr11:9,839,670, T>C on the plus strand (A>G on the coding strand, the complement: SBF2 is on the minus strand). VCF-style: chr11-9839670-T-C. GRCh37 (hg19) VCF-style: chr11-9861217-T-C.
Other names: c.3283A>G, p.Ser1095Gly (NM_001386339.1); c.3154A>G, p.Ser1052Gly (NM_001386342.1); short protein forms S1095G, S1052G.
Identifiers: ClinVar variation 241610 (VCV000241610.10), dbSNP rs2942402, ClinGen allele CA5881315.

ClinVar aggregate classification (germline): Uncertain significance. Review status: criteria provided, multiple submitters, no conflicts (2 of 4 stars). 2 submissions from 2 submitters: Uncertain significance (2). Last evaluated 2024-12-03.

Conditions:
Charcot-Marie-Tooth disease type 4. Also called: Charcot-Marie-Tooth disease, type IV; Charcot-Marie-Tooth, Type 4. Identifiers: Orphanet 64749, MedGen C4082197, MONDO:0018995.

Allele frequency attached by ClinVar (database versions not stated): gnomAD exomes 0.00004; TOPMed 0.00008; 1000 Genomes Project 0.00020.

Submissions (2):

GeneDx
Classification: Uncertain significance. Last evaluated: 2024-12-03. Review status: criteria provided, single submitter. Criteria: GeneDx Variant Classification Process June 2021. Collection method: clinical testing. Allele origin: germline. Affected: yes.
Comment: Reported previously as a variant of uncertain significance in a patient with extremity weakness, sensory deficits, sensorineural hearing loss, and blurred vision who also harbored a causative variant in the ACOX1 gene (PMID: 35715200); In silico analysis indicates that this missense variant does not alter protein structure/function; This variant is associated with the following publications: (PMID: 35715200)

Labcorp Genetics (formerly Invitae), Labcorp
Classification: Uncertain significance for Charcot-Marie-Tooth disease type 4. Last evaluated: 2022-05-16. Review status: criteria provided, single submitter. Criteria: Invitae Variant Classification Sherloc (09022015). Collection method: clinical testing. Allele origin: germline.
Comment: This sequence change replaces serine, which is neutral and polar, with glycine, which is neutral and non-polar, at codon 1095 of the SBF2 protein (p.Ser1095Gly). This variant is present in population databases (rs2942402, gnomAD 0.03%). This variant has not been reported in the literature in individuals affected with SBF2-related conditions. ClinVar contains an entry for this variant (Variation ID: 241610). Algorithms developed to predict the effect of missense changes on protein structure and function are either unavailable or do not agree on the potential impact of this missense change (SIFT: "Deleterious"; PolyPhen-2: "Benign"; Align-GVGD: "Class C0"). Algorithms developed to predict the effect of sequence changes on RNA splicing suggest that this variant may disrupt the consensus splice site. In summary, the available evidence is currently insufficient to determine the role of this variant in disease. Therefore, it has been classified as a Variant of Uncertain Significance.